The following is an entry in ClinVar:

ClinVar aggregate classification (germline): Uncertain significance (1 of 4 stars; one submission).

Conditions:
Hereditary cancer-predisposing syndrome. Also called: Neoplastic Syndromes, Hereditary; Tumor predisposition; Hereditary Cancer Syndrome; Hereditary neoplastic syndrome. Identifiers: Orphanet 140162, MedGen C0027672, MeSH D009386, MONDO:0015356.

Submission:

Ambry Genetics
Classification: Uncertain significance for Hereditary cancer-predisposing syndrome. Last evaluated: 2025-12-09. Review status: criteria provided, single submitter. Criteria: Ambry Variant Classification Scheme 2023. Collection method: clinical testing. Allele origin: germline.
Comment: The p.S641T variant (also known as c.1921T>A), located in coding exon 13 of the CTNNA1 gene, results from a T to A substitution at nucleotide position 1921. The serine at codon 641 is replaced by threonine, an amino acid with similar properties. This amino acid position is highly conserved in available vertebrate species. In addition, this alteration is predicted to be tolerated by in silico analysis. Based on the available evidence, the clinical significance of this variant remains unclear.

NM_001903.5(CTNNA1):c.1921T>A (p.Ser641Thr)

Gene: CTNNA1 (catenin alpha 1; plus strand). Cytogenetic location: 5q31.2.
Variant type: single nucleotide variant.
Coding change: c.1921T>A on transcript NM_001903.5 (MANE Select); coding-DNA position 1921, T replaced by A.
Protein change: p.Ser641Thr; replaces serine 641 with threonine.
Molecular consequence: missense variant.
Genome position (GRCh38, 1-based): chr5:138,929,267, T>A. VCF-style: chr5-138929267-T-A. GRCh37 (hg19) VCF-style: chr5-138264956-T-A.
Other names: c.1921T>A, p.Ser641Thr (NM_001290307.3, NM_001323982.2, NM_001323983.1 and 2 more transcripts); c.1612T>A, p.Ser538Thr (NM_001290309.3); c.1552T>A, p.Ser518Thr (NM_001290310.3); c.811T>A, p.Ser271Thr (NM_001290312.1, NM_001323987.1, NM_001323988.1 and 17 more transcripts); c.1828T>A, p.Ser610Thr (NM_001323986.2); c.472T>A, p.Ser158Thr (NM_001324006.1, NM_001324007.1, NM_001324008.1 and 2 more transcripts); c.718T>A, p.Ser240Thr (NM_001324011.1); c.568T>A, p.Ser190Thr (NM_001324012.1, NM_001324013.1); short protein forms S158T, S240T, S271T, S518T, S610T, S641T, S190T, S538T.
Identifiers: ClinVar variation 4635607 (VCV004635607.1).